The following is an entry in ClinVar:

NM_033380.3(COL4A5):c.1226G>T (p.Gly409Val)

Gene: COL4A5 (collagen type IV alpha 5 chain; plus strand). Cytogenetic location: Xq22.3.
Variant type: single nucleotide variant.
Coding change: c.1226G>T on transcript NM_033380.3 (MANE Select); coding-DNA position 1226, G replaced by T.
Protein change: p.Gly409Val; replaces glycine 409 with valine.
Molecular consequence: missense variant.
Genome position (GRCh38, 1-based): chrX:108,591,118, G>T. VCF-style: chrX-108591118-G-T. GRCh37 (hg19) VCF-style: chrX-107834348-G-T.
Other names: c.1226G>T, p.Gly409Val (NM_000495.5); short protein forms G409V.
Identifiers: ClinVar variation 1676179 (VCV001676179.37), dbSNP rs104886101, ClinGen allele CA413932463.
Genomic context (GRCh38, chrX:108,591,118, plus strand): 5'-GGGCTGCAGTTATGGGTCCTCCTGGCCCTCCTGGATTTCCTGGAGAAAGGGGTCAGAAAG[G>T]TGATGAAGGACCACCTGGAATTTCCATTCCTGGACCTCCTGGACTTGACGGACAGCCTGG-3'
Protein context (NP_203699.1, residues 399-419): PGFPGERGQK[Gly409Val]DEGPPGISIP

ClinVar aggregate classification (germline): Pathogenic/Likely pathogenic. Review status: criteria provided, multiple submitters, no conflicts (2 of 4 stars). 4 submissions from 4 submitters: Pathogenic (1); Likely pathogenic (3). Last evaluated 2024-09-10.

Conditions:
COL4A5-related disorders.
X-linked Alport syndrome (ATS1). Also called: NEPHROPATHY AND DEAFNESS, X-LINKED; COL4A5-Related Nephropathy. Identifiers: Orphanet 63, Orphanet 88917, MedGen C4746986, MONDO:0010520, OMIM 301050.

Submissions (4):

Labcorp Genetics (formerly Invitae), Labcorp
Classification: Likely pathogenic. Last evaluated: 2024-09-10. Review status: criteria provided, single submitter. Criteria: Invitae Variant Classification Sherloc (09022015). Collection method: clinical testing. Allele origin: germline.
Comment: This sequence change replaces glycine, which is neutral and non-polar, with valine, which is neutral and non-polar, at codon 409 of the COL4A5 protein (p.Gly409Val). This variant is not present in population databases (gnomAD no frequency). This missense change has been observed in individual(s) with COL4A5-related conditions are (internal data). ClinVar contains an entry for this variant (Variation ID: 1676179). Invitae Evidence Modeling of protein sequence and biophysical properties (such as structural, functional, and spatial information, amino acid conservation, physicochemical variation, residue mobility, and thermodynamic stability) indicates that this missense variant is expected to disrupt COL4A5 protein function with a positive predictive value of 95%. This variant disrupts the triple helix domain of COL4A5. Glycine residues within the Gly-Xaa-Yaa repeats of the triple helix domain are required for the structure and stability of fibrillar collagens (PMID: 7695699, 8218237, 19344236). In COL4A5, missense variants at these glycine residues are significantly enriched in individuals with disease (PMID: 23720012, 27627812) compared to the general population (ExAC). This variant disrupts the p.Gly409 amino acid residue in COL4A5. Other variant(s) that disrupt this residue have been observed in individuals with COL4A5-related conditions (PMID: 5572247), which suggests that this may be a clinically significant amino acid residue. In summary, the currently available evidence indicates that the variant is pathogenic, but additional data are needed to prove that conclusively. Therefore, this variant has been classified as Likely Pathogenic.

Fulgent Genetics
Classification: Likely pathogenic for X-linked Alport syndrome. Last evaluated: 2024-02-26. Review status: criteria provided, single submitter. Criteria: ACMG Guidelines, 2015. Collection method: clinical testing. Allele origin: germline.

CeGaT Center for Human Genetics Tuebingen
Classification: Pathogenic. Last evaluated: 2022-03-01. Review status: criteria provided, single submitter. Criteria: CeGaT Center For Human Genetics Tuebingen Variant Classification Criteria Version 2. Collection method: clinical testing. Allele origin: germline. Affected: yes. Observed: 1 variant allele.
Comment: COL4A5: PM1:Strong, PM2, PM5, PP3, PP4

Blueprint Genetics
Classification: Likely pathogenic for COL4A5-related disorders. Last evaluated: 2019-04-25. Review status: criteria provided, single submitter. Criteria: ACMG Guidelines, 2015. Collection method: clinical testing. Allele origin: germline. Affected: yes. Observed: 1 variant allele.

Literature cited by the submitters: PubMed 7695699 (cited by Labcorp Genetics (formerly Invitae), Labcorp); PubMed 8218237 (cited by Labcorp Genetics (formerly Invitae), Labcorp); PubMed 19344236 (cited by Labcorp Genetics (formerly Invitae), Labcorp); PubMed 23720012 (cited by Labcorp Genetics (formerly Invitae), Labcorp); PubMed 27627812 (cited by Labcorp Genetics (formerly Invitae), Labcorp); PubMed 5572247 (cited by Labcorp Genetics (formerly Invitae), Labcorp).